The following is an entry in ClinVar:

NM_005660.3(SLC35A2):c.90G>C (p.Ala30=)

Gene: SLC35A2 (solute carrier family 35 member A2; minus strand). Cytogenetic location: Xp11.23.
Variant type: single nucleotide variant.
Coding change: c.90G>C on transcript NM_005660.3 (MANE Select); coding-DNA position 90, G replaced by C.
Protein change: p.Ala30=; no amino-acid change (alanine 30 retained).
Molecular consequence: synonymous variant. On other transcripts: intron variant (1).
Genome position (GRCh38, 1-based): chrX:48,911,547, C>G on the plus strand (G>C on the coding strand, the complement: SLC35A2 is on the minus strand). VCF-style: chrX-48911547-C-G. GRCh37 (hg19) VCF-style: chrX-48768824-C-G.
Other names: c.90G>C, p.Ala30= (NM_001032289.3, NM_001042498.3, NM_001282647.2 and 3 more transcripts); c.19+312G>C (NM_001282648.2).
Identifiers: ClinVar variation 385814 (VCV000385814.12), dbSNP rs1057522337, ClinGen allele CA16608874.

ClinVar aggregate classification (germline): Benign/Likely benign. Review status: criteria provided, multiple submitters, no conflicts (2 of 4 stars). 3 submissions from 3 submitters: Benign (1); Likely benign (2). Last evaluated 2023-04-27.

Conditions:
Inborn genetic diseases. Identifiers: MedGen C0950123, MeSH D030342.
SLC35A2-congenital disorder of glycosylation. Also called: DEVELOPMENTAL AND EPILEPTIC ENCEPHALOPATHY 22; SLC35A2-CDG; EPILEPTIC ENCEPHALOPATHY, EARLY INFANTILE, 22; CONGENITAL DISORDER OF GLYCOSYLATION, TYPE IIm; CDG IIm; CONGENITAL DISORDER OF GLYCOSYLATION, TYPE IIm, SOMATIC MOSAIC. Identifiers: Orphanet 356961, MedGen C3806688, MONDO:0010478, OMIM 300896.

Allele frequency attached by ClinVar (database versions not stated): TOPMed below 0.00001; gnomAD exomes 0.00005.
gnomAD v4.1: 5 of 1,161,572 alleles (0.00043%); highest among the groups gnomAD compares: Admixed American, 0.013%; no homozygotes.

Submissions (3):

Labcorp Genetics (formerly Invitae), Labcorp
Classification: Benign for SLC35A2-congenital disorder of glycosylation. Last evaluated: 2023-04-27. Review status: criteria provided, single submitter. Criteria: Invitae Variant Classification Sherloc (09022015). Collection method: clinical testing. Allele origin: germline.

Ambry Genetics
Classification: Likely benign for Inborn genetic diseases. Last evaluated: 2018-04-24. Review status: criteria provided, single submitter. Criteria: Ambry Variant Classification Scheme 2023. Collection method: clinical testing. Allele origin: germline.

GeneDx
Classification: Likely benign. Last evaluated: 2016-05-17. Review status: criteria provided, single submitter. Criteria: GeneDx Variant Classification (06012015). Collection method: clinical testing. Allele origin: germline. Affected: yes.
Comment: This variant is considered likely benign or benign based on one or more of the following criteria: it is a conservative change, it occurs at a poorly conserved position in the protein, it is predicted to be benign by multiple in silico algorithms, and/or has population frequency not consistent with disease.